The following is an entry in ClinVar:

NM_001267550.2(TTN):c.104064G>C (p.Glu34688Asp)

Genes: TTN (titin; minus strand), TTN-AS1 (TTN antisense RNA 1; plus strand). Cytogenetic location: 2q31.2.
Variant type: single nucleotide variant.
Coding change: c.104064G>C on transcript NM_001267550.2 (MANE Select); coding-DNA position 104064, G replaced by C.
Protein change: p.Glu34688Asp; replaces glutamic acid 34688 with aspartic acid.
Molecular consequence: missense variant.
Genome position (GRCh38, 1-based): chr2:178,532,551, C>G on the plus strand (G>C on the coding strand, the complement: TTN is on the minus strand). VCF-style: chr2-178532551-C-G. GRCh37 (hg19) VCF-style: chr2-179397278-C-G.
Other names: c.99141G>C, p.Glu33047Asp (NM_001256850.1); c.76869G>C, p.Glu25623Asp (NM_003319.4); c.96360G>C, p.Glu32120Asp (NM_133378.4); c.77244G>C, p.Glu25748Asp (NM_133432.3); c.77445G>C, p.Glu25815Asp (NM_133437.4); short protein forms E25815D, E34688D, E25623D, E25748D, E32120D, E33047D.
Identifiers: ClinVar variation 1464476 (VCV001464476.6), dbSNP rs1407460166, ClinGen allele CA349412637.
Genomic context (GRCh38, chr2:178,532,551, plus strand): 5'-TAGGCTAGAAAGCTCAAAGTGTGGAGGGCTTCGACTTGGGGGTGAAGCTGAAAAACCTAA[C>G]TCAAGCTCTTCTTCAAGACGCAGCCTCTCTTCCTCTGTTCTTTTCATTGCTAAGTAGTCA-3'
Protein context (NP_001254479.2, residues 34678-34698): EERLRLEEEL[Glu34688Asp]LGFSASPPSR

ClinVar aggregate classification (germline): Uncertain significance (1 of 4 stars; one submission).

Conditions:
Dilated cardiomyopathy 1G (CMD1G). Identifiers: Orphanet 154, MedGen C1858763, MONDO:0011400, OMIM 604145.
Autosomal recessive limb-girdle muscular dystrophy type 2J (LGMDR10). Also called: Limb-girdle muscular dystrophy, type 2J; MUSCULAR DYSTROPHY, LIMB-GIRDLE, AUTOSOMAL RECESSIVE 10. Identifiers: Orphanet 140922, MedGen C1837342, MONDO:0012127, OMIM 608807.

Allele frequency attached by ClinVar (database versions not stated): gnomAD exomes 0.00001.
gnomAD v4.1: 2 of 1,613,966 alleles (0.00012%); highest among the groups gnomAD compares: Admixed American, 0.0033%; no homozygotes.

Submission:

Labcorp Genetics (formerly Invitae), Labcorp
Classification: Uncertain significance for Dilated cardiomyopathy 1G; Autosomal recessive limb-girdle muscular dystrophy type 2J. Last evaluated: 2024-02-05. Review status: criteria provided, single submitter. Criteria: Invitae Variant Classification Sherloc (09022015). Collection method: clinical testing. Allele origin: germline.
Comment: This sequence change replaces glutamic acid, which is acidic and polar, with aspartic acid, which is acidic and polar, at codon 34688 of the TTN protein (p.Glu34688Asp). This variant is present in population databases (no rsID available, gnomAD 0.006%). This variant has not been reported in the literature in individuals affected with TTN-related conditions. ClinVar contains an entry for this variant (Variation ID: 1464476). Experimental studies and prediction algorithms are not available or were not evaluated, and the functional significance of this variant is currently unknown. This variant is located in the M band of TTN (PMID: 25589632). Non-truncating variants in this region may be relevant for neuromuscular disorders, but have not been definitively shown to cause cardiomyopathy (PMID: 23975875). In summary, the available evidence is currently insufficient to determine the role of this variant in disease. Therefore, it has been classified as a Variant of Uncertain Significance.

Literature cited by the submitters: PubMed 25589632; PubMed 23975875.